The following is an entry in ClinVar:

NM_032043.3(BRIP1):c.534A>T (p.Thr178=)

Gene: BRIP1 (BRCA1 interacting DNA helicase 1; minus strand). Cytogenetic location: 17q23.2.
Variant type: single nucleotide variant.
Coding change: c.534A>T on transcript NM_032043.3 (MANE Select); coding-DNA position 534, A replaced by T.
Protein change: p.Thr178=; no amino-acid change (threonine 178 retained).
Molecular consequence: synonymous variant.
Genome position (GRCh38, 1-based): chr17:61,847,194, T>A on the plus strand (A>T on the coding strand, the complement: BRIP1 is on the minus strand). VCF-style: chr17-61847194-T-A. GRCh37 (hg19) VCF-style: chr17-59924555-T-A.
Identifiers: ClinVar variation 3378909 (VCV003378909.1).

ClinVar aggregate classification (germline): Benign (1 of 4 stars; one submission).

Conditions:
Familial cancer of breast. Also called: hereditary breast carcinoma; Hereditary breast cancer; BREAST CANCER, FAMILIAL. Identifiers: Orphanet 227535, MedGen C0346153, MONDO:0016419, OMIM 114480. Disease mechanism: loss of function.

Submission:

Myriad Genetics, Inc.
Classification: Benign for Familial cancer of breast. Last evaluated: 2024-08-21. Review status: criteria provided, single submitter. Criteria: Myriad Autosomal Dominant, Autosomal Recessive and X-Linked Classification Criteria (2023). Collection method: clinical testing. Allele origin: unknown.
Comment: This variant is considered benign. This variant is a silent/synonymous amino acid change and it is not expected to impact splicing.